The following is an entry in ClinVar:

NM_000748.3(CHRNB2):c.7C>T (p.Arg3Trp)

Genes: CHRNB2 (cholinergic receptor nicotinic beta 2 subunit; plus strand), LOC129931511 (ATAC-STARR-seq lymphoblastoid silent region 1363; plus strand). Cytogenetic location: 1q21.3.
Variant type: single nucleotide variant.
Coding change: c.7C>T on transcript NM_000748.3 (MANE Select); coding-DNA position 7, C replaced by T.
Protein change: p.Arg3Trp; replaces arginine 3 with tryptophan.
Molecular consequence: missense variant.
Genome position (GRCh38, 1-based): chr1:154,568,051, C>T. VCF-style: chr1-154568051-C-T. GRCh37 (hg19) VCF-style: chr1-154540527-C-T.
Other names: p.R3W:CGG>TGG; short protein forms R3W.
Identifiers: ClinVar variation 205075 (VCV000205075.3), dbSNP rs745932234, ClinGen allele CA313667.

ClinVar aggregate classification (germline): Uncertain significance. Review status: criteria provided, multiple submitters, no conflicts (2 of 4 stars). 2 submissions from 2 submitters: Uncertain significance (2). Last evaluated 2025-10-21.

Conditions:
Inborn genetic diseases. Identifiers: MedGen C0950123, MeSH D030342.

Allele frequency attached by ClinVar (database versions not stated): gnomAD exomes 0.00001; TOPMed 0.00001; ExAC 0.00005.

Submissions (2):

Ambry Genetics
Classification: Uncertain significance for Inborn genetic diseases. Last evaluated: 2025-10-21. Review status: criteria provided, single submitter. Criteria: Ambry Variant Classification Scheme 2023. Collection method: clinical testing. Allele origin: germline.

GeneDx
Classification: Uncertain significance. Last evaluated: 2014-07-01. Review status: criteria provided, single submitter. Criteria: GeneDx Variant Classification (06012015). Collection method: clinical testing. Allele origin: germline. Affected: yes.
Comment: p.Arg3Trp (CGG>TGG): c.7 C>T in exon 1 of the CHRNB2 gene (NM_000748.2). The R3W variant has not been published as a mutation, nor has it been reported as a benign polymorphism to our knowledge. It was not observed in approximately 6,400 individuals of European and African American ancestry in the NHLBI Exome Sequencing Project, indicating it is not a common benign variant in these populations. The R3W variant is a non-conservative amino acid substitution, which is likely to impact secondary protein structure as these residues differ in polarity, charge, size and/or other properties. However, this substitution occurs at a position that is not conserved across species, and in silico analysis predicts the R3W variant likely does not alter the protein structure/function. Additionally, this amino acid substitution does not occur within the transmembrane region of the protein, where the vast majority of pathogenic missense mutations have been identified in association with epilepsy (Steinlein et al., 2010). Therefore, based on the currently available information, it is unclear whether the R3W variant is a pathogenic mutation or a rare benign variant. The variant is found in EPILEPSY panel(s).